The following is an entry in ClinVar:

NM_177438.3(DICER1):c.5662G>C (p.Gly1888Arg)

Gene: DICER1 (dicer 1, ribonuclease III; minus strand). Cytogenetic location: 14q32.13.
Variant type: single nucleotide variant.
Coding change: c.5662G>C on transcript NM_177438.3 (MANE Select); coding-DNA position 5662, G replaced by C.
Protein change: p.Gly1888Arg; replaces glycine 1888 with arginine.
Molecular consequence: missense variant. On other transcripts: 3 prime UTR variant (1).
Genome position (GRCh38, 1-based): chr14:95,090,605, C>G on the plus strand (G>C on the coding strand, the complement: DICER1 is on the minus strand). VCF-style: chr14-95090605-C-G. GRCh37 (hg19) VCF-style: chr14-95556942-C-G.
Other names: c.*9G>C (NM_001195573.1); c.5662G>C, p.Gly1888Arg (NM_001271282.3, NM_001291628.2, NM_030621.4); short protein forms G1888R.
Identifiers: ClinVar variation 1449136 (VCV001449136.9), dbSNP rs2139766496, ClinGen allele CA390863405.

ClinVar aggregate classification (germline): Uncertain significance (1 of 4 stars; one submission).

Conditions:
DICER1-related tumor predisposition. Also called: DICER1 syndrome; DICER1-related pleuropulmonary blastoma cancer predisposition syndrome. Identifiers: Orphanet 284343, MedGen C3839822, MONDO:0100216.

Submission:

Labcorp Genetics (formerly Invitae), Labcorp
Classification: Uncertain significance for DICER1-related tumor predisposition. Last evaluated: 2021-04-21. Review status: criteria provided, single submitter. Criteria: Invitae Variant Classification Sherloc (09022015). Collection method: clinical testing. Allele origin: germline.
Comment: This sequence change replaces glycine with arginine at codon 1888 of the DICER1 protein (p.Gly1888Arg). The glycine residue is highly conserved and there is a moderate physicochemical difference between glycine and arginine. In summary, the available evidence is currently insufficient to determine the role of this variant in disease. Therefore, it has been classified as a Variant of Uncertain Significance. Algorithms developed to predict the effect of missense changes on protein structure and function are either unavailable or do not agree on the potential impact of this missense change (SIFT: "Tolerated"; PolyPhen-2: "Probably Damaging"; Align-GVGD: "Class C0"). This variant has not been reported in the literature in individuals with DICER1-related conditions. This variant is not present in population databases (ExAC no frequency).